The following is an entry in ClinVar:

NM_000268.4(NF2):c.812T>C (p.Phe271Ser)

Gene: NF2 (NF2, moesin-ezrin-radixin like (MERLIN) tumor suppressor; plus strand). Cytogenetic location: 22q12.2.
Variant type: single nucleotide variant.
Coding change: c.812T>C on transcript NM_000268.4 (MANE Select); coding-DNA position 812, T replaced by C.
Protein change: p.Phe271Ser; replaces phenylalanine 271 with serine.
Molecular consequence: missense variant. On other transcripts: non-coding transcript variant (1), intron variant (1).
Genome position (GRCh38, 1-based): chr22:29,664,991, T>C. VCF-style: chr22-29664991-T-C. GRCh37 (hg19) VCF-style: chr22-30060980-T-C.
Other names: c.698T>C, p.Phe233Ser (NM_001407053.1, NM_001407056.1); c.689T>C, p.Phe230Ser (NM_001407054.1, NM_001407058.1, NM_181829.3); c.686T>C, p.Phe229Ser (NM_001407055.1, NM_181828.3); c.677T>C, p.Phe226Ser (NM_001407057.1, NM_001407059.1); c.812T>C, p.Phe271Ser (NM_001407060.1, NM_001407066.1, NM_016418.5 and 2 more transcripts); c.554T>C, p.Phe185Ser (NM_001407062.1); c.563T>C, p.Phe188Ser (NM_001407063.1, NM_001407064.1, NM_181830.3 and 1 more transcripts); c.278T>C, p.Phe93Ser (NM_001407065.1); and 2 more; short protein forms F185S, F188S, F194S, F226S, F229S, F230S, F233S, F271S.
Identifiers: ClinVar variation 4758680 (VCV004758680.1).

ClinVar aggregate classification (germline): Uncertain significance (1 of 4 stars; one submission).

Conditions:
Neurofibromatosis, type 2 (SWNV). Also called: BILATERAL ACOUSTIC NEUROFIBROMATOSIS; NF2-Related Schwannomatosis; SCHWANNOMATOSIS, VESTIBULAR. Identifiers: Orphanet 637, MedGen C0027832, MONDO:0007039, OMIM 101000. Disease mechanism: loss of function.

Submission:

Color Diagnostics, LLC DBA Color Health
Classification: Uncertain significance for Neurofibromatosis, type 2. Last evaluated: 2025-05-25. Review status: criteria provided, single submitter. Criteria: ACMG Guidelines, 2015. Collection method: clinical testing. Allele origin: germline.
Comment: This missense variant replaces phenylalanine with serine at codon 271 of the NF2 protein. Computational prediction suggests that this variant may have deleterious impact on protein structure and function. To our knowledge, functional studies have not been reported for this variant. This variant has not been reported in individuals affected with NF2-related disorders in the literature. This variant has not been identified in the general population by the Genome Aggregation Database (gnomAD). The available evidence is insufficient to determine the role of this variant in disease conclusively. Therefore, this variant is classified as a Variant of Uncertain Significance.